The following is an entry in ClinVar:

ClinVar aggregate classification (germline): Likely benign (1 of 4 stars; one submission).

gnomAD v4.1: 820 of 1,609,294 alleles (0.051%); highest among the groups gnomAD compares: East Asian, 1.4%; 3 homozygotes.

Submission:

CeGaT Center for Human Genetics Tuebingen
Classification: Likely benign. Last evaluated: 2025-10-01. Review status: criteria provided, single submitter. Criteria: CeGaT Center For Human Genetics Tuebingen Variant Classification Criteria Version 2. Collection method: clinical testing. Allele origin: germline. Affected: yes. Observed: 1 variant allele.
Comment: HUS1B: BP4, BP7, BS1

NM_148959.4(HUS1B):c.459C>T (p.Ser153=)

Genes: EXOC2 (exocyst complex component 2; minus strand), HUS1B (HUS1 checkpoint clamp component B; minus strand). Cytogenetic location: 6p25.3.
Variant type: single nucleotide variant.
Coding change: c.459C>T on transcript NM_148959.4 (MANE Select); coding-DNA position 459, C replaced by T.
Protein change: p.Ser153=; no amino-acid change (serine 153 retained).
Molecular consequence: synonymous variant. On other transcripts: intron variant (1).
Genome position (GRCh38, 1-based): chr6:656,486, G>A on the plus strand (C>T on the coding strand, the complement: HUS1B is on the minus strand). VCF-style: chr6-656486-G-A. GRCh37 (hg19) VCF-style: chr6-656486-G-A.
Other names: c.-43-18625C>T (NM_018303.6).
Identifiers: ClinVar variation 4533493 (VCV004533493.6).
Genomic context (GRCh38, chr6:656,486, plus strand): 5'-CGCCATCCTCTCCACGATGCTCCTCAGCGTCCTCCAGCGCGGCAGGCGGATGCTCGCGTC[G>A]GAGGCGCGCAGGCTGGGCGGCAGGCAGTCCCGCCACACTCTCCTGGGAAGCACCCGCACG-3'
Protein context (NP_683762.2, residues 143-163): RDCLPPSLRA[Ser153=]DASIRLPRWR